The following is an entry in ClinVar:

NM_000088.4(COL1A1):c.588dup (p.Gly197fs)

Gene: COL1A1 (collagen type I alpha 1 chain; minus strand). Cytogenetic location: 17q21.33.
Variant type: Duplication.
Coding change: c.588dup on transcript NM_000088.4 (MANE Select); coding-DNA position 588, one base duplicated (T; older notation c.588dupT).
Protein change: p.Gly197fs; shifts the reading frame from glycine 197.
Molecular consequence: frameshift variant.
Genome position (GRCh38, 1-based): chr17:50,198,161, A duplicated on the plus strand (T on the coding strand, the reverse complement: COL1A1 is on the minus strand). VCF-style (leftmost placement, unchanged base first): chr17-50198160-C-CA. GRCh37 (hg19) VCF-style: chr17-48275521-C-CA.
Other names: short protein forms G197fs.
Identifiers: ClinVar variation 4057238 (VCV004057238.1).
Genomic context (GRCh38, chr17:50,198,160, plus strand): 5'-CAGTCTTCCCTCCAAAAGACCAAAGCCCAAGGAGGCATATGAAGACGTCCTGGATACTCA[C>CA]AGGTGCACCAGGGGGGCCAGGGAGACCACGAGGACCAGAGGGACCCTATAGAGGGAGAAG-3'

ClinVar aggregate classification (germline): Pathogenic (1 of 4 stars; one submission).

Conditions:
Osteogenesis imperfecta type I (OI1). Also called: Classic Non-deforming Osteogenesis Imperfecta with Blue Sclerae; OI, TYPE I; OSTEOGENESIS IMPERFECTA TARDA; OSTEOGENESIS IMPERFECTA WITH BLUE SCLERAE; Osteogenesis imperfecta type 1; Lobstein's Disease. Identifiers: Orphanet 216796, Orphanet 666, MedGen C0023931, MONDO:0008146, OMIM 166200. Disease mechanism: loss of function.

Submission:

Clinical Biomedical Laboratory, Shriners Hospital For Children - Canada
Classification: Pathogenic for Osteogenesis imperfecta type I. Last evaluated: 2025-05-23. Review status: criteria provided, single submitter. Criteria: ACMG Guidelines, 2015. Collection method: clinical testing. Allele origin: germline. Affected: yes.
Comment: This variant is predicted to substitute a glycine residue by a tryptophan residue, introduce a frameshift resulting in an abnormal stop codon 11 amino acids downstream. This is expected to lead to degradation of the affected mRNA transcript and lead to haploinsufficiency of the alpha 1 chain of collagen type I. Haploinsufficiency of the alpha 1 chain of collagen type I is a typical cause of OI type I. This variant is not reported in ClinVar and is absent from the Genome Aggregation Database (v.2.1.1), indicating it is rare.